The following is an entry in ClinVar:

ClinVar aggregate classification (germline): Benign. Review status: criteria provided, multiple submitters, no conflicts (2 of 4 stars). 2 submissions from 2 submitters: Benign (2). Last evaluated 2018-01-04.

Allele frequency attached by ClinVar (database versions not stated): gnomAD exomes 0.00074 and 0.00133; ExAC 0.00198; 1000 Genomes Project 0.00639; 1000 Genomes Project 30x 0.00640; gnomAD 0.00681 and 0.00735; TOPMed 0.00709; ESP Exome Variant Server 0.00725.
gnomAD v4.1: 2,035 of 1,530,896 alleles (0.13%); highest among the groups gnomAD compares: African/African-American, 2.4%; 72 homozygotes.

Submissions (2):

GeneDx
Classification: Benign. Last evaluated: 2018-01-04. Review status: criteria provided, single submitter. Criteria: GeneDx Variant Classification (06012015). Collection method: clinical testing. Allele origin: germline. Affected: yes.
Comment: This variant is considered likely benign or benign based on one or more of the following criteria: it is a conservative change, it occurs at a poorly conserved position in the protein, it is predicted to be benign by multiple in silico algorithms, and/or has population frequency not consistent with disease.

Breakthrough Genomics
Classification: Benign. Review status: criteria provided, single submitter. Criteria: ACMG Guidelines, 2015. Collection method: not provided. Allele origin: germline. Inheritance: Autosomal recessive inheritance. Affected: yes.

NM_001164508.2(NEB):c.16622G>A (p.Arg5541His)

Gene: NEB (nebulin; minus strand). Cytogenetic location: 2q23.3.
Variant type: single nucleotide variant.
Coding change: c.16622G>A on transcript NM_001164508.2 (MANE Select); coding-DNA position 16622, G replaced by A.
Protein change: p.Arg5541His; replaces arginine 5541 with histidine.
Molecular consequence: missense variant. On other transcripts: intron variant (1).
Genome position (GRCh38, 1-based): chr2:151,579,420, C>T on the plus strand (G>A on the coding strand, the complement: NEB is on the minus strand). VCF-style: chr2-151579420-C-T. GRCh37 (hg19) VCF-style: chr2-152435934-C-T.
Other names: c.16622G>A, p.Arg5541His (NM_001164507.2, NM_001271208.2); c.11602-3066G>A (NM_004543.5); short protein forms R5541H.
Identifiers: ClinVar variation 387814 (VCV000387814.2), dbSNP rs182029307, ClinGen allele CA1908414.